The following is an entry in ClinVar:

NM_000038.6(APC):c.6128T>G (p.Ile2043Arg)

Gene: APC (APC regulator of Wnt signaling pathway; plus strand). Cytogenetic location: 5q22.2.
Variant type: single nucleotide variant.
Coding change: c.6128T>G on transcript NM_000038.6 (MANE Select); coding-DNA position 6128, T replaced by G.
Protein change: p.Ile2043Arg; replaces isoleucine 2043 with arginine.
Molecular consequence: missense variant.
Genome position (GRCh38, 1-based): chr5:112,841,722, T>G. VCF-style: chr5-112841722-T-G. GRCh37 (hg19) VCF-style: chr5-112177419-T-G.
Other names: c.6128T>G, p.Ile2043Arg (NM_001127510.3, NM_001354895.2, NM_001407450.1); c.6074T>G, p.Ile2025Arg (NM_001127511.3); c.6182T>G, p.Ile2061Arg (NM_001354896.2, NM_001407447.1, NM_001407448.1 and 1 more transcripts); c.6158T>G, p.Ile2053Arg (NM_001354897.2); c.6053T>G, p.Ile2018Arg (NM_001354898.2); c.6044T>G, p.Ile2015Arg (NM_001354899.2); c.6005T>G, p.Ile2002Arg (NM_001354900.2); c.5951T>G, p.Ile1984Arg (NM_001354901.2, NM_001407453.1); and 11 more; short protein forms I1659R, I1760R, I1883R, I1914R, I1917R, I1942R, I1952R, I1960R.
Identifiers: ClinVar variation 1801870 (VCV001801870.4), dbSNP rs876660288, ClinGen allele CA16034748.

ClinVar aggregate classification (germline): Uncertain significance. Review status: criteria provided, multiple submitters, no conflicts (2 of 4 stars). 2 submissions from 2 submitters: Uncertain significance (2). Last evaluated 2022-11-29.

Conditions:
Familial adenomatous polyposis 1 (FAP1). Also called: POLYPOSIS, ADENOMATOUS INTESTINAL; FAMILIAL ADENOMATOUS POLYPOSIS 1, ATTENUATED. Identifiers: MedGen C2713442, MONDO:0021056, OMIM 175100. Disease mechanism: loss of function.

Submissions (2):

Labcorp Genetics (formerly Invitae), Labcorp
Classification: Uncertain significance for Familial adenomatous polyposis 1. Last evaluated: 2022-11-29. Review status: criteria provided, single submitter. Criteria: Invitae Variant Classification Sherloc (09022015). Collection method: clinical testing. Allele origin: germline.
Comment: This variant is not present in population databases (gnomAD no frequency). This sequence change replaces isoleucine, which is neutral and non-polar, with arginine, which is basic and polar, at codon 2043 of the APC protein (p.Ile2043Arg). Algorithms developed to predict the effect of missense changes on protein structure and function (SIFT, PolyPhen-2, Align-GVGD) all suggest that this variant is likely to be disruptive. This variant has not been reported in the literature in individuals affected with APC-related conditions. In summary, the available evidence is currently insufficient to determine the role of this variant in disease. Therefore, it has been classified as a Variant of Uncertain Significance.

GeneDx
Classification: Uncertain significance. Last evaluated: 2022-05-31. Review status: criteria provided, single submitter. Criteria: GeneDx Variant Classification Process June 2021. Collection method: clinical testing. Allele origin: germline. Affected: yes.
Comment: Not observed at significant frequency in large population cohorts (gnomAD); In silico analysis supports that this missense variant has a deleterious effect on protein structure/function; Has not been previously published as pathogenic or benign to our knowledge; This variant is associated with the following publications: (PMID: 18199528)